The following is an entry in ClinVar:

ClinVar aggregate classification (germline): Uncertain significance. Review status: criteria provided, single submitter (1 of 4 stars). 2 submissions from 2 submitters: Uncertain significance (1). 1 of the submissions does not count toward it. Last evaluated 2026-02-01.

Conditions:
Epidermolysis bullosa dystrophica. Also called: Dystrophic epidermolysis bullosa, Hallopeau-Siemens type (formerly); Dystrophic epidermolysis bullosa. Identifiers: Orphanet 303, MedGen C0079294, MONDO:0006543.

gnomAD v4.1: 2 of 1,614,144 alleles (0.00012%); highest among the groups gnomAD compares: Non-Finnish European, 0.00017%; no homozygotes.

Submissions (2):

CeGaT Center for Human Genetics Tuebingen
Classification: Uncertain significance. Last evaluated: 2026-02-01. Review status: criteria provided, single submitter. Criteria: CeGaT Center For Human Genetics Tuebingen Variant Classification Criteria Version 2. Collection method: clinical testing. Allele origin: germline. Affected: yes. Observed: 1 variant allele.
Comment: COL7A1: PM2

Natera, Inc.
Classification: Uncertain significance for Dystrophic epidermolysis bullosa. Last evaluated: 2025-05-30. Review status: no assertion criteria provided. Collection method: clinical testing. Allele origin: germline. Not counted in ClinVar's aggregate classification.

NM_000094.4(COL7A1):c.8302C>G (p.Gln2768Glu)

Gene: COL7A1 (collagen type VII alpha 1 chain; minus strand). Cytogenetic location: 3p21.31.
Variant type: single nucleotide variant.
Coding change: c.8302C>G on transcript NM_000094.4 (MANE Select); coding-DNA position 8302, C replaced by G.
Protein change: p.Gln2768Glu; replaces glutamine 2768 with glutamic acid.
Molecular consequence: missense variant.
Genome position (GRCh38, 1-based): chr3:48,566,662, G>C on the plus strand (C>G on the coding strand, the complement: COL7A1 is on the minus strand). VCF-style: chr3-48566662-G-C. GRCh37 (hg19) VCF-style: chr3-48604095-G-C.
Other names: short protein forms Q2768E.
Identifiers: ClinVar variation 4065136 (VCV004065136.5).